The following is an entry in ClinVar:

NM_006922.4(SCN3A):c.3694C>G (p.Gln1232Glu)

Gene: SCN3A (sodium voltage-gated channel alpha subunit 3; minus strand). Cytogenetic location: 2q24.3.
Variant type: single nucleotide variant.
Coding change: c.3694C>G on transcript NM_006922.4 (MANE Select); coding-DNA position 3694, C replaced by G.
Protein change: p.Gln1232Glu; replaces glutamine 1232 with glutamic acid.
Molecular consequence: missense variant.
Genome position (GRCh38, 1-based): chr2:165,113,034, G>C on the plus strand (C>G on the coding strand, the complement: SCN3A is on the minus strand). VCF-style: chr2-165113034-G-C. GRCh37 (hg19) VCF-style: chr2-165969544-G-C.
Other names: c.3547C>G, p.Gln1183Glu (NM_001081676.2, NM_001081677.2); short protein forms Q1183E, Q1232E.
Identifiers: ClinVar variation 3361642 (VCV003361642.1).

ClinVar aggregate classification (germline): Uncertain significance (1 of 4 stars; one submission).

Submission:

GeneDx
Classification: Uncertain significance. Last evaluated: 2023-07-30. Review status: criteria provided, single submitter. Criteria: GeneDx Variant Classification Process June 2021. Collection method: clinical testing. Allele origin: germline. Affected: yes.
Comment: Has not been previously published as pathogenic or benign to our knowledge; Not observed at significant frequency in large population cohorts (gnomAD); In silico analysis supports that this missense variant does not alter protein structure/function